The following is an entry in ClinVar:

NM_000128.4(F11):c.1211C>A (p.Thr404Asn)

Gene: F11 (coagulation factor XI; plus strand). Cytogenetic location: 4q35.2.
Variant type: single nucleotide variant.
Coding change: c.1211C>A on transcript NM_000128.4 (MANE Select); coding-DNA position 1211, C replaced by A.
Protein change: p.Thr404Asn; replaces threonine 404 with asparagine.
Molecular consequence: missense variant.
Genome position (GRCh38, 1-based): chr4:186,284,167, C>A. VCF-style: chr4-186284167-C-A. GRCh37 (hg19) VCF-style: chr4-187205321-C-A.
Other names: F11, THR386ASN; T386N; short protein forms T404N.
Identifiers: ClinVar variation 11897 (VCV000011897.2), dbSNP rs121965067, ClinGen allele CA121755.

ClinVar aggregate classification (germline): Uncertain significance. Review status: criteria provided, single submitter (1 of 4 stars). 2 submissions from 2 submitters: Uncertain significance (1). 1 of the submissions does not count toward it. Last evaluated 2025-03-17.

Conditions:
Hereditary factor XI deficiency disease. Also called: Congenital factor XI deficiency; PLASMA THROMBOPLASTIN ANTECEDENT DEFICIENCY; PTA DEFICIENCY; ROSENTHAL SYNDROME. Identifiers: Orphanet 329, MedGen C0015523, MeSH D005173, MONDO:0012897, OMIM 612416.

Allele frequency attached by ClinVar (database versions not stated): gnomAD exomes below 0.00001.
gnomAD v4.1: 1 of 1,614,222 alleles (0.000062%); highest among the groups gnomAD compares: Non-Finnish European, 0.000085%; no homozygotes.

Submissions (2):

Women's Health and Genetics/Laboratory Corporation of America, LabCorp
Classification: Uncertain significance. Last evaluated: 2025-03-17. Review status: criteria provided, single submitter. Criteria: LabCorp Variant Classification Summary - May 2015. Collection method: clinical testing. Allele origin: germline.
Comment: Variant summary: F11 c.1211C>A (p.Thr404Asn) results in a non-conservative amino acid change located in the trypsin domain (IPR001254) of the encoded protein sequence. Four of five in-silico tools predict a damaging effect of the variant on protein function. The variant allele was found at a frequency of 6.2e-07 in 1607248 control chromosomes (gnomAD). c.1211C>A (Thr404Asn, aka T386N) has been reported in the literature in a consanguineous family in homozygous individuals, who were affected with factor XI deficiency disease (Wistinghausen_1997), however the inheritance pattern based on the reported factor XI levels was unclear, and no full sequencing and genotyping was performed for the whole family. Therefore, these reports do not provide unequivocal conclusions about association of the variant with Hereditary factor XI deficiency disease. To our knowledge, no experimental evidence demonstrating an impact on protein function has been reported. The following publication have been ascertained in the context of this evaluation (PMID: 9401068). ClinVar contains an entry for this variant (Variation ID: 11897). Based on the evidence outlined above, the variant was classified as VUS-possibly pathogenic.

OMIM
Classification: Pathogenic for FACTOR XI DEFICIENCY. Last evaluated: 1997-12-01. Review status: no assertion criteria provided. Collection method: literature only. Allele origin: germline. Not counted in ClinVar's aggregate classification.

Literature cited by the submitters: PubMed 9401068 (cited by Women's Health and Genetics/Laboratory Corporation of America, LabCorp and OMIM).